The following is an entry in ClinVar:

NM_005956.4(MTHFD1):c.1484G>A (p.Arg495Gln)

Gene: MTHFD1 (methylenetetrahydrofolate dehydrogenase, cyclohydrolase and formyltetrahydrofolate synthetase 1; plus strand). Cytogenetic location: 14q23.3.
Variant type: single nucleotide variant.
Coding change: c.1484G>A on transcript NM_005956.4 (MANE Select); coding-DNA position 1484, G replaced by A.
Protein change: p.Arg495Gln; replaces arginine 495 with glutamine.
Molecular consequence: missense variant.
Genome position (GRCh38, 1-based): chr14:64,431,851, G>A. VCF-style: chr14-64431851-G-A. GRCh37 (hg19) VCF-style: chr14-64898569-G-A.
Other names: c.1484G>A, p.Arg495Gln (NM_001364837.1); short protein forms R495Q.
Identifiers: ClinVar variation 2413622 (VCV002413622.3), dbSNP rs146576336, ClinGen allele CA261841719.

ClinVar aggregate classification (germline): Uncertain significance (1 of 4 stars; one submission).

Allele frequency attached by ClinVar (database versions not stated): gnomAD exomes below 0.00001; gnomAD 0.00003; TOPMed 0.00003; ESP Exome Variant Server 0.00008.

Submission:

Labcorp Genetics (formerly Invitae), Labcorp
Classification: Uncertain significance. Last evaluated: 2024-02-05. Review status: criteria provided, single submitter. Criteria: Invitae Variant Classification Sherloc (09022015). Collection method: clinical testing. Allele origin: germline.
Comment: This sequence change replaces arginine, which is basic and polar, with glutamine, which is neutral and polar, at codon 495 of the MTHFD1 protein (p.Arg495Gln). This variant is present in population databases (rs146576336, gnomAD 0.007%). This variant has not been reported in the literature in individuals affected with MTHFD1-related conditions. ClinVar contains an entry for this variant (Variation ID: 2413622). Advanced modeling of protein sequence and biophysical properties (such as structural, functional, and spatial information, amino acid conservation, physicochemical variation, residue mobility, and thermodynamic stability) performed at Invitae indicates that this missense variant is not expected to disrupt MTHFD1 protein function with a negative predictive value of 80%. In summary, the available evidence is currently insufficient to determine the role of this variant in disease. Therefore, it has been classified as a Variant of Uncertain Significance.